The following is an entry in ClinVar:

ClinVar aggregate classification (germline): Benign/Likely benign. Review status: criteria provided, multiple submitters, no conflicts (2 of 4 stars). 6 submissions from 6 submitters: Benign (1); Likely benign (4). 1 of the submissions does not count toward it. Last evaluated 2026-01-28.

Conditions:
Adams-Oliver syndrome 5 (AOS5). Identifiers: Orphanet 974, MedGen C4014970, MONDO:0014459, OMIM 616028.
Familial thoracic aortic aneurysm and aortic dissection (TAAD). Also called: Thoracic aortic aneurysms and dissections. Identifiers: Orphanet 91387, MedGen C4707243, MONDO:0019625.
NOTCH1-related disorder. Also called: NOTCH1-related condition; NOTCH1-related disorders.

Allele frequency attached by ClinVar (database versions not stated): gnomAD exomes 0.00008 and 0.00021; 1000 Genomes Project 30x 0.00016; 1000 Genomes Project 0.00020; ExAC 0.00024; gnomAD 0.00082 and 0.00093; ESP Exome Variant Server 0.00103; TOPMed 0.00106.
gnomAD v4.1: 244 of 1,612,292 alleles (0.015%); highest among the groups gnomAD compares: African/African-American, 0.26%; no homozygotes.

Submissions (6):

Labcorp Genetics (formerly Invitae), Labcorp
Classification: Likely benign for Adams-Oliver syndrome 5. Last evaluated: 2026-01-28. Review status: criteria provided, single submitter. Criteria: Invitae Variant Classification Sherloc (09022015). Collection method: clinical testing. Allele origin: germline.

Ambry Genetics
Classification: Benign for Familial thoracic aortic aneurysm and aortic dissection. Last evaluated: 2024-08-01. Review status: criteria provided, single submitter. Criteria: Ambry Variant Classification Scheme 2023. Collection method: clinical testing. Allele origin: germline.

Women's Health and Genetics/Laboratory Corporation of America, LabCorp
Classification: Likely benign. Last evaluated: 2023-07-21. Review status: criteria provided, single submitter. Criteria: LabCorp Variant Classification Summary - May 2015. Collection method: clinical testing. Allele origin: germline.

Blueprint Genetics
Classification: Likely benign. Last evaluated: 2023-04-20. Review status: criteria provided, single submitter. Criteria: ACMG Guidelines, 2015. Collection method: clinical testing. Allele origin: germline.

GeneDx
Classification: Likely benign. Last evaluated: 2021-01-13. Review status: criteria provided, single submitter. Criteria: GeneDx Variant Classification Process June 2021. Collection method: clinical testing. Allele origin: germline. Affected: yes.

PreventionGenetics, part of Exact Sciences
Classification: Likely benign for NOTCH1-related condition. Last evaluated: 2020-03-27. Review status: no assertion criteria provided. Collection method: clinical testing. Allele origin: germline. Not counted in ClinVar's aggregate classification.
Comment: This variant is classified as likely benign based on ACMG/AMP sequence variant interpretation guidelines (Richards et al. 2015 PMID: 25741868, with internal and published modifications).

Literature cited by the submitters: PubMed 24943832 (cited by Women's Health and Genetics/Laboratory Corporation of America, LabCorp); PubMed 16614245 (cited by Women's Health and Genetics/Laboratory Corporation of America, LabCorp); PubMed 21670202 (cited by Women's Health and Genetics/Laboratory Corporation of America, LabCorp); PubMed 22210878 (cited by Women's Health and Genetics/Laboratory Corporation of America, LabCorp); PubMed 19635999 (cited by Women's Health and Genetics/Laboratory Corporation of America, LabCorp); PubMed 26837699 (cited by Women's Health and Genetics/Laboratory Corporation of America, LabCorp); PubMed 23086750 (cited by Women's Health and Genetics/Laboratory Corporation of America, LabCorp); PubMed 19245433 (cited by Women's Health and Genetics/Laboratory Corporation of America, LabCorp); PubMed 22077063 (cited by Women's Health and Genetics/Laboratory Corporation of America, LabCorp); PubMed 15472075 (cited by Women's Health and Genetics/Laboratory Corporation of America, LabCorp); PubMed 23734977 (cited by Women's Health and Genetics/Laboratory Corporation of America, LabCorp); PubMed 22858860 (cited by Women's Health and Genetics/Laboratory Corporation of America, LabCorp).

NM_017617.5(NOTCH1):c.5506G>A (p.Asp1836Asn)

Gene: NOTCH1 (notch receptor 1; minus strand). Cytogenetic location: 9q34.3.
Variant type: single nucleotide variant.
Coding change: c.5506G>A on transcript NM_017617.5 (MANE Select); coding-DNA position 5506, G replaced by A.
Protein change: p.Asp1836Asn; replaces aspartic acid 1836 with asparagine.
Molecular consequence: missense variant.
Genome position (GRCh38, 1-based): chr9:136,501,880, C>T on the plus strand (G>A on the coding strand, the complement: NOTCH1 is on the minus strand). VCF-style: chr9-136501880-C-T. GRCh37 (hg19) VCF-style: chr9-139396332-C-T.
Other names: c.5506G>A, p.Asp1836Asn (LRG_1122t1); c.5506G>A (NM_017617.4); short protein forms D1836N.
Identifiers: ClinVar variation 415395 (VCV000415395.23), dbSNP rs200100726, ClinGen allele CA5340219.